The following is an entry in ClinVar:

NM_015570.4(AUTS2):c.1707A>G (p.Thr569=)

Gene: AUTS2 (activator of transcription and developmental regulator AUTS2; plus strand). Cytogenetic location: 7q11.22.
Variant type: single nucleotide variant.
Coding change: c.1707A>G on transcript NM_015570.4 (MANE Select); coding-DNA position 1707, A replaced by G.
Protein change: p.Thr569=; no amino-acid change (threonine 569 retained).
Molecular consequence: synonymous variant.
Genome position (GRCh38, 1-based): chr7:70,768,041, A>G. VCF-style: chr7-70768041-A-G. GRCh37 (hg19) VCF-style: chr7-70233027-A-G.
Other names: c.1707A>G, p.Thr569= (NM_001127231.3).
Identifiers: ClinVar variation 4982640 (VCV004982640.1).

ClinVar aggregate classification (germline): Uncertain significance (1 of 4 stars; one submission).

Conditions:
AUTS2-related disorder. Also called: AUTS2-related condition.

gnomAD v4.1: 2 of 1,608,750 alleles (0.00012%); highest among the groups gnomAD compares: Non-Finnish European, 0.00017%; no homozygotes.

Submission:

PreventionGenetics, part of Exact Sciences
Classification: Uncertain significance for AUTS2-related condition. Last evaluated: 2025-03-17. Review status: criteria provided, single submitter. Criteria: ACMG Guidelines, 2015. Collection method: clinical testing. Allele origin: germline.
Comment: The AUTS2 c.1707A>G variant is not predicted to result in an amino acid change (p.=). This variant is predicted to alter splicing based on available splicing prediction programs (SpliceAI, Jaganathan et al. 2019. PubMed ID: 30661751). To our knowledge, this variant has not been reported in the literature or in a large population database (gnomAD), indicating this variant is rare. At this time, the clinical significance of this variant is uncertain due to the absence of conclusive functional and genetic evidence.